The following is an entry in ClinVar:

NM_004646.4(NPHS1):c.2989_2990dup (p.Phe998fs)

Gene: NPHS1 (NPHS1 adhesion molecule, nephrin; minus strand). Cytogenetic location: 19q13.12.
Variant type: Duplication.
Coding change: c.2989_2990dup on transcript NM_004646.4 (MANE Select); coding-DNA positions 2989 to 2990, 2 bases duplicated (AC; older notation c.2989_2990dupAC).
Protein change: p.Phe998fs; shifts the reading frame from phenylalanine 998.
Molecular consequence: frameshift variant.
Genome position (GRCh38, 1-based): chr19:35,839,356-35,839,357, GT duplicated on the plus strand (AC on the coding strand, the reverse complement: NPHS1 is on the minus strand); duplicating any 2 consecutive bases within chr19:35,839,356-35,839,358 gives the same sequence; the c. name uses the placement nearest the transcript's 3' end. VCF-style (leftmost placement, unchanged base first): chr19-35839355-G-GGT. GRCh37 (hg19) VCF-style: chr19-36330257-G-GGT.
Other names: short protein forms F998fs.
Identifiers: ClinVar variation 1413819 (VCV001413819.7), dbSNP rs2146816256, ClinGen allele CA2573156255.

ClinVar aggregate classification (germline): Pathogenic/Likely pathogenic. Review status: criteria provided, multiple submitters, no conflicts (2 of 4 stars). 2 submissions from 2 submitters: Pathogenic (1); Likely pathogenic (1). Last evaluated 2023-04-16.

Conditions:
Finnish congenital nephrotic syndrome (NPHS1). Also called: NEPHROTIC SYNDROME, TYPE 1. Identifiers: Orphanet 839, MedGen C0403399, MONDO:0009732, OMIM 256300.

Submissions (2):

Labcorp Genetics (formerly Invitae), Labcorp
Classification: Pathogenic. Last evaluated: 2023-04-16. Review status: criteria provided, single submitter. Criteria: Invitae Variant Classification Sherloc (09022015). Collection method: clinical testing. Allele origin: germline.
Comment: For these reasons, this variant has been classified as Pathogenic. ClinVar contains an entry for this variant (Variation ID: 1413819). This variant has not been reported in the literature in individuals affected with NPHS1-related conditions. This variant is not present in population databases (gnomAD no frequency). This sequence change creates a premature translational stop signal (p.Phe998Profs*4) in the NPHS1 gene. It is expected to result in an absent or disrupted protein product. Loss-of-function variants in NPHS1 are known to be pathogenic (PMID: 11317351, 11854170, 12039988).

Fulgent Genetics
Classification: Likely pathogenic for Finnish congenital nephrotic syndrome. Last evaluated: 2022-04-04. Review status: criteria provided, single submitter. Criteria: ACMG Guidelines, 2015. Collection method: clinical testing. Allele origin: unknown.

Literature cited by the submitters: PubMed 11317351 (cited by Labcorp Genetics (formerly Invitae), Labcorp); PubMed 11854170 (cited by Labcorp Genetics (formerly Invitae), Labcorp); PubMed 12039988 (cited by Labcorp Genetics (formerly Invitae), Labcorp).